The following is an entry in ClinVar:

ClinVar aggregate classification (germline): Conflicting classifications of pathogenicity. Review status: criteria provided, conflicting classifications (1 of 4 stars). 4 submissions from 4 submitters: Uncertain significance (3); Likely benign (1). Last evaluated 2025-07-27.

Conditions:
Hereditary cancer-predisposing syndrome. Also called: Tumor predisposition; Neoplastic Syndromes, Hereditary; Hereditary Cancer Syndrome; Hereditary neoplastic syndrome. Identifiers: Orphanet 140162, MedGen C0027672, MeSH D009386, MONDO:0015356.
Breast-ovarian cancer, familial, susceptibility to, 2 (BROVCA2). Also called: BRCA2 Hereditary Breast and Ovarian Cancer. Identifiers: Orphanet 145, MedGen C2675520, MONDO:0012933, OMIM 612555. Disease mechanism: loss of function.
Familial cancer of breast. Also called: BREAST CANCER, FAMILIAL; Hereditary breast cancer; hereditary breast carcinoma. Identifiers: Orphanet 227535, MedGen C0346153, MONDO:0016419, OMIM 114480. Disease mechanism: loss of function.
Hereditary breast ovarian cancer syndrome. Also called: Hereditary breast and ovarian cancer; Breast and ovarian cancer; Hereditary breast and/or ovarian cancer syndrome; Hereditary breast and ovarian cancer syndrome (HBOC); BRCA1- and BRCA2-Associated Hereditary Breast and Ovarian Cancer; Hereditary breast and ovarian cancer syndrome. Identifiers: Orphanet 145, MedGen C0677776, MeSH D061325, MONDO:0003582. Disease mechanism: loss of function.

Allele frequency attached by ClinVar (database versions not stated): gnomAD 0.00001; gnomAD exomes 0.00001 and 0.00002; ExAC 0.00002.
gnomAD v4.1: 16 of 1,613,686 alleles (0.00099%); highest among the groups gnomAD compares: South Asian, 0.016%; no homozygotes.

Submissions (4):

Labcorp Genetics (formerly Invitae), Labcorp
Classification: Uncertain significance for Hereditary breast ovarian cancer syndrome. Last evaluated: 2025-07-27. Review status: criteria provided, single submitter. Criteria: Invitae Variant Classification Sherloc (09022015). Collection method: clinical testing. Allele origin: germline.
Comment: This sequence change replaces serine, which is neutral and polar, with alanine, which is neutral and non-polar, at codon 1907 of the BRCA2 protein (p.Ser1907Ala). This variant is present in population databases (rs753445027, gnomAD 0.02%). This variant has not been reported in the literature in individuals affected with BRCA2-related conditions. ClinVar contains an entry for this variant (Variation ID: 479320). Invitae Evidence Modeling of protein sequence and biophysical properties (such as structural, functional, and spatial information, amino acid conservation, physicochemical variation, residue mobility, and thermodynamic stability) indicates that this missense variant is not expected to disrupt BRCA2 protein function with a negative predictive value of 95%. In summary, the available evidence is currently insufficient to determine the role of this variant in disease. Therefore, it has been classified as a Variant of Uncertain Significance.

Ambry Genetics
Classification: Uncertain significance for Hereditary cancer-predisposing syndrome. Last evaluated: 2025-02-25. Review status: criteria provided, single submitter. Criteria: Ambry Variant Classification Scheme 2023. Collection method: clinical testing. Allele origin: germline.
Comment: The p.S1907A variant (also known as c.5719T>G), located in coding exon 10 of the BRCA2 gene, results from a T to G substitution at nucleotide position 5719. The serine at codon 1907 is replaced by alanine, an amino acid with similar properties. This alteration was identified in 2/1358 non-cancer control individuals and was not observed in 57 cases, in a study looking at cancer predisposition mutations in patients with cutaneous melanoma and a history of at least two additional non-cutaneous melanoma primary cancers (Pritchard AL et al. PLoS One, 2018 Apr;13:e0194098). This amino acid position is not well conserved in available vertebrate species. In addition, this alteration is predicted to be tolerated by in silico analysis. Based on the available evidence, the clinical significance of this variant remains unclear.

University of Washington Department of Laboratory Medicine, University of Washington
Classification: Likely benign for Hereditary cancer-predisposing syndrome. Last evaluated: 2023-03-23. Review status: criteria provided, single submitter. Criteria: Dines et al. (Genet Med. 2020). Collection method: curation. Allele origin: germline.
Comment: Missense variant in a coldspot region where missense variants are very unlikely to be pathogenic (PMID:31911673).

BRCA2 exon 11 coldspot. Reclassification based on statistical prior probability.

Department of Pathology and Laboratory Medicine, Sinai Health System
Classification: Uncertain significance for Familial cancer of breast; Breast-ovarian cancer, familial, susceptibility to, 2. Last evaluated: 2023-03-09. Review status: criteria provided, single submitter. Criteria: ACMG Guidelines, 2015. Collection method: clinical testing. Allele origin: germline. Affected: yes.

Literature cited by the submitters: PubMed 29641532 (cited by Ambry Genetics).

NM_000059.4(BRCA2):c.5719T>G (p.Ser1907Ala)

Gene: BRCA2 (BRCA2 DNA repair associated; plus strand). Cytogenetic location: 13q13.1.
Variant type: single nucleotide variant.
Coding change: c.5719T>G on transcript NM_000059.4 (MANE Select); coding-DNA position 5719, T replaced by G.
Protein change: p.Ser1907Ala; replaces serine 1907 with alanine.
Molecular consequence: missense variant.
Genome position (GRCh38, 1-based): chr13:32,340,074, T>G. VCF-style: chr13-32340074-T-G. GRCh37 (hg19) VCF-style: chr13-32914211-T-G.
Other names: short protein forms S1907A.
Identifiers: ClinVar variation 479320 (VCV000479320.14), dbSNP rs753445027, ClinGen allele CA6940899.